The following is an entry in ClinVar:

NM_015057.5(MYCBP2):c.3630G>C (p.Met1210Ile)

Gene: MYCBP2 (MYC binding protein 2; minus strand). Cytogenetic location: 13q22.3.
Variant type: single nucleotide variant.
Coding change: c.3630G>C on transcript NM_015057.5 (MANE Select); coding-DNA position 3630, G replaced by C.
Protein change: p.Met1210Ile; replaces methionine 1210 with isoleucine.
Molecular consequence: missense variant.
Genome position (GRCh38, 1-based): chr13:77,205,558, C>G on the plus strand (G>C on the coding strand, the complement: MYCBP2 is on the minus strand). VCF-style: chr13-77205558-C-G. GRCh37 (hg19) VCF-style: chr13-77779693-C-G.
Other names: short protein forms M1210I.
Identifiers: ClinVar variation 2643860 (VCV002643860.24), dbSNP rs140246419, ClinGen allele CA7009919.

ClinVar aggregate classification (germline): Uncertain significance (1 of 4 stars; one submission).

Allele frequency attached by ClinVar (database versions not stated): ExAC 0.00002; gnomAD 0.00002; TOPMed 0.00003; ESP Exome Variant Server 0.00008.

Submission:

CeGaT Center for Human Genetics Tuebingen
Classification: Uncertain significance. Last evaluated: 2022-11-01. Review status: criteria provided, single submitter. Criteria: CeGaT Center For Human Genetics Tuebingen Variant Classification Criteria Version 2. Collection method: clinical testing. Allele origin: germline. Affected: yes. Observed: 1 variant allele.
Comment: MYCBP2: PP2